The following is an entry in ClinVar:

NM_001379659.1(ZNF142):c.5613G>A (p.Glu1871=)

Gene: ZNF142 (zinc finger protein 142; minus strand). Cytogenetic location: 2q35.
Variant type: single nucleotide variant.
Coding change: c.5613G>A on transcript NM_001379659.1 (MANE Select); coding-DNA position 5613, G replaced by A.
Protein change: p.Glu1871=; no amino-acid change (glutamic acid 1871 retained).
Molecular consequence: synonymous variant.
Genome position (GRCh38, 1-based): chr2:218,638,390, C>T on the plus strand (G>A on the coding strand, the complement: ZNF142 is on the minus strand). VCF-style: chr2-218638390-C-T. GRCh37 (hg19) VCF-style: chr2-219503113-C-T.
Other names: c.5013G>A, p.Glu1671= (NM_001105537.5, NM_001366291.3, NM_001379662.1); c.4524G>A, p.Glu1508= (NM_001366287.3, NM_001366288.3, NM_001366289.3); c.5613G>A, p.Glu1871= (NM_001366290.3, NM_001379660.1, NM_001379661.1).
Identifiers: ClinVar variation 1254978 (VCV001254978.5), dbSNP rs1803383, ClinGen allele CA2108475.

ClinVar aggregate classification (germline): Benign. Review status: criteria provided, multiple submitters, no conflicts (2 of 4 stars). 3 submissions from 3 submitters: Benign (2). 1 of the submissions does not count toward it. Last evaluated 2021-05-05.

Conditions:
ZNF142-related disorder. Also called: ZNF142-related condition.

Allele frequency attached by ClinVar (database versions not stated): gnomAD exomes 0.04541 and 0.03753; ESP Exome Variant Server 0.05302; gnomAD 0.05673 and 0.05696; 1000 Genomes Project 30x 0.07573; 1000 Genomes Project 0.07688; ExAC 0.04852; TOPMed 0.05915.
gnomAD v4.1: 60,698 of 1,533,196 alleles (4%); highest among the groups gnomAD compares: East Asian, 11%; 1,583 homozygotes.

Submissions (3):

GeneDx
Classification: Benign. Last evaluated: 2021-05-05. Review status: criteria provided, single submitter. Criteria: GeneDx Variant Classification Process June 2021. Collection method: clinical testing. Allele origin: germline. Affected: yes.

Breakthrough Genomics
Classification: Benign. Review status: criteria provided, single submitter. Criteria: ACMG Guidelines, 2015. Collection method: not provided. Allele origin: germline. Inheritance: Autosomal recessive inheritance. Affected: yes.

PreventionGenetics, part of Exact Sciences
Classification: Benign for ZNF142-related condition. Last evaluated: 2024-03-14. Review status: no assertion criteria provided. Collection method: clinical testing. Allele origin: germline. Not counted in ClinVar's aggregate classification.
Comment: This variant is classified as benign based on ACMG/AMP sequence variant interpretation guidelines (Richards et al. 2015 PMID: 25741868, with internal and published modifications).